The following is an entry in ClinVar:

ClinVar aggregate classification (germline): Pathogenic (1 of 4 stars; one submission).

Conditions:
Autosomal recessive limb-girdle muscular dystrophy type 2A (LGMDR1). Also called: Limb-girdle muscular dystrophy, type 2A; Calpainopathy; MUSCULAR DYSTROPHY, PELVOFEMORAL; LEYDEN-MOEBIUS MUSCULAR DYSTROPHY; Muscular dystrophy, limb-girdle, type 2A, Amish. Identifiers: Orphanet 267, MedGen C1869123, MONDO:0009675, OMIM 253600. Disease mechanism: loss of function.

Allele frequency attached by ClinVar (database versions not stated): gnomAD exomes below 0.00001.

Submission:

Labcorp Genetics (formerly Invitae), Labcorp
Classification: Pathogenic for Autosomal recessive limb-girdle muscular dystrophy type 2A. Last evaluated: 2022-07-05. Review status: criteria provided, single submitter. Criteria: Invitae Variant Classification Sherloc (09022015). Collection method: clinical testing. Allele origin: germline.
Comment: For these reasons, this variant has been classified as Pathogenic. Algorithms developed to predict the effect of sequence changes on RNA splicing suggest that this variant may disrupt the consensus splice site. ClinVar contains an entry for this variant (Variation ID: 659272). This variant has not been reported in the literature in individuals affected with CAPN3-related conditions. This variant is not present in population databases (gnomAD no frequency). This sequence change creates a premature translational stop signal (p.Asp707Alafs*68) in the CAPN3 gene. It is expected to result in an absent or disrupted protein product. Loss-of-function variants in CAPN3 are known to be pathogenic (PMID: 10330340, 15689361).

Literature cited by the submitters: PubMed 10330340; PubMed 15689361.

NM_000070.3(CAPN3):c.2118_2121del (p.Asp707fs)

Gene: CAPN3 (calpain 3; plus strand). Cytogenetic location: 15q15.1.
Variant type: Deletion.
Coding change: c.2118_2121del on transcript NM_000070.3 (MANE Select); coding-DNA positions 2118 to 2121, 4 bases deleted (AGAT; older notation c.2118_2121delAGAT).
Protein change: p.Asp707fs; shifts the reading frame from aspartic acid 707.
Molecular consequence: frameshift variant.
Genome position (GRCh38, 1-based): chr15:42,410,430-42,410,433, AGAT deleted. VCF-style (leftmost placement, unchanged base first): chr15-42410429-CAGAT-C. GRCh37 (hg19) VCF-style: chr15-42702627-CAGAT-C.
Other names: c.2100_2103del, p.Asp701fs (NM_024344.2); c.1842_1845del, p.Asp615fs (NM_173087.2); c.582_585del, p.Asp195fs (NM_173088.2); c.123_126del, p.Asp42fs (NM_173089.2, NM_173090.2); short protein forms D195fs, D42fs, D615fs, D701fs, D707fs.
Identifiers: ClinVar variation 659272 (VCV000659272.7), dbSNP rs1595846922, ClinGen allele CA915946554.
Genomic context (GRCh38, chr15:42,410,429, plus strand): 5'-CCCTCCAAATCCAGGGGGATTTTGCTGTGTGCTGTGTAGCCCTGACCTCCCTCCTCCAGA[CAGAT>C]GGCTCTGGAAAGCTCAACCTGCAGGAGTTCCACCACCTCTGGAACAAGATTAAGGCCTGG-3'